The following is an entry in ClinVar:

ClinVar aggregate classification (germline): Uncertain significance (1 of 4 stars; one submission).

Conditions:
Dystonic disorder. Also called: Dystonia. Identifiers: MedGen C0013421, MONDO:0003441, HP:0001332.

Allele frequency attached by ClinVar (database versions not stated): gnomAD exomes 0.00001; ExAC 0.00003.
gnomAD v4.1: 7 of 1,610,510 alleles (0.00043%); highest among the groups gnomAD compares: East Asian, 0.016%; no homozygotes.

Submission:

Labcorp Genetics (formerly Invitae), Labcorp
Classification: Uncertain significance for Dystonic disorder. Last evaluated: 2023-12-21. Review status: criteria provided, single submitter. Criteria: Invitae Variant Classification Sherloc (09022015). Collection method: clinical testing. Allele origin: germline.
Comment: This sequence change falls in intron 4 of the DRD2 gene. It does not directly change the encoded amino acid sequence of the DRD2 protein. It affects a nucleotide within the consensus splice site. This variant is present in population databases (rs761671516, gnomAD 0.04%), and has an allele count higher than expected for a pathogenic variant. This variant has not been reported in the literature in individuals affected with DRD2-related conditions. ClinVar contains an entry for this variant (Variation ID: 2420957). Variants that disrupt the consensus splice site are a relatively common cause of aberrant splicing (PMID: 17576681, 9536098). Algorithms developed to predict the effect of sequence changes on RNA splicing suggest that this variant is not likely to affect RNA splicing. In summary, the available evidence is currently insufficient to determine the role of this variant in disease. Therefore, it has been classified as a Variant of Uncertain Significance.

Literature cited by the submitters: PubMed 17576681; PubMed 9536098.

NM_000795.4(DRD2):c.533-3C>T

Gene: DRD2 (dopamine receptor D2; minus strand). Cytogenetic location: 11q23.2.
Variant type: single nucleotide variant.
Coding change: c.533-3C>T on transcript NM_000795.4 (MANE Select); 3 bases into the intron before coding-DNA position 533, C replaced by T.
Molecular consequence: intron variant.
Genome position (GRCh38, 1-based): chr11:113,415,614, G>A on the plus strand (C>T on the coding strand, the complement: DRD2 is on the minus strand). VCF-style: chr11-113415614-G-A. GRCh37 (hg19) VCF-style: chr11-113286336-G-A.
Other names: c.533-3C>T (NM_016574.4).
Identifiers: ClinVar variation 2420957 (VCV002420957.6), dbSNP rs761671516, ClinGen allele CA6281359.